The following is an entry in ClinVar:

NM_001378454.1(ALMS1):c.4778A>G (p.Glu1593Gly)

Gene: ALMS1 (ALMS1 centrosome and basal body associated protein; plus strand). Cytogenetic location: 2p13.1.
Variant type: single nucleotide variant.
Coding change: c.4778A>G on transcript NM_001378454.1 (MANE Select); coding-DNA position 4778, A replaced by G.
Protein change: p.Glu1593Gly; replaces glutamic acid 1593 with glycine.
Molecular consequence: missense variant.
Genome position (GRCh38, 1-based): chr2:73,451,305, A>G. VCF-style: chr2-73451305-A-G. GRCh37 (hg19) VCF-style: chr2-73678432-A-G.
Other names: c.4781A>G, p.Glu1594Gly (NM_015120.4); short protein forms E1593G, E1594G.
Identifiers: ClinVar variation 1930029 (VCV001930029.2), dbSNP rs771514103, ClinGen allele CA1713764.

ClinVar aggregate classification (germline): Uncertain significance (1 of 4 stars; one submission).

Conditions:
Alstrom syndrome (ALMS). Identifiers: Orphanet 64, MedGen C0268425, MONDO:0008763, OMIM 203800.

Allele frequency attached by ClinVar (database versions not stated): gnomAD exomes below 0.00001; ExAC 0.00001.
gnomAD v4.1: 2 of 1,614,090 alleles (0.00012%); highest among the groups gnomAD compares: South Asian, 0.0022%; no homozygotes.

Submission:

Labcorp Genetics (formerly Invitae), Labcorp
Classification: Uncertain significance for Alstrom syndrome. Last evaluated: 2022-04-15. Review status: criteria provided, single submitter. Criteria: Invitae Variant Classification Sherloc (09022015). Collection method: clinical testing. Allele origin: germline.
Comment: This sequence change replaces glutamic acid, which is acidic and polar, with glycine, which is neutral and non-polar, at codon 1594 of the ALMS1 protein (p.Glu1594Gly). This variant is present in population databases (rs771514103, gnomAD 0.006%). This variant has not been reported in the literature in individuals affected with ALMS1-related conditions. Experimental studies and prediction algorithms are not available or were not evaluated, and the functional significance of this variant is currently unknown. In summary, the available evidence is currently insufficient to determine the role of this variant in disease. Therefore, it has been classified as a Variant of Uncertain Significance.